The following is an entry in ClinVar:

NM_024996.7(GFM1):c.1324G>T (p.Glu442Ter)

Gene: GFM1 (G elongation factor mitochondrial 1; plus strand). Cytogenetic location: 3q25.32.
Variant type: single nucleotide variant.
Coding change: c.1324G>T on transcript NM_024996.7 (MANE Select); coding-DNA position 1324, G replaced by T.
Protein change: p.Glu442Ter; replaces glutamic acid 442 with a stop codon.
Molecular consequence: nonsense. On other transcripts: non-coding transcript variant (4).
Genome position (GRCh38, 1-based): chr3:158,662,628, G>T. VCF-style: chr3-158662628-G-T. GRCh37 (hg19) VCF-style: chr3-158380417-G-T.
Other names: c.1381G>T, p.Glu461Ter (NM_001308164.2); c.1324G>T, p.Glu442Ter (NM_001308166.2); c.1243G>T, p.Glu415Ter (NM_001374355.1); c.1207G>T, p.Glu403Ter (NM_001374356.1); c.1099G>T, p.Glu367Ter (NM_001374357.1); c.865G>T, p.Glu289Ter (NM_001374358.1); c.757G>T, p.Glu253Ter (NM_001374359.1, NM_001374360.1); c.640G>T, p.Glu214Ter (NM_001374361.1); short protein forms E415*, E367*, E442*, E461*, E289*, E214*, E253*, E403*.
Identifiers: ClinVar variation 1028357 (VCV001028357.1), dbSNP rs757691557, ClinGen allele CA355178041.

ClinVar aggregate classification (germline): Pathogenic (1 of 4 stars; one submission).

Conditions:
Hepatoencephalopathy due to combined oxidative phosphorylation defect type 1. Also called: HEPATOENCEPHALOPATHY, EARLY FATAL PROGRESSIVE. Identifiers: Orphanet 137681, MedGen C1836797, MONDO:0012191, OMIM 609060.

gnomAD v4.1: 4 of 1,576,816 alleles (0.00025%); highest among the groups gnomAD compares: South Asian, 0.0033%; no homozygotes.

Submission:

Baylor Genetics
Classification: Pathogenic for Hepatoencephalopathy due to combined oxidative phosphorylation defect type 1. Last evaluated: 2020-01-22. Review status: criteria provided, single submitter. Criteria: ACMG Guidelines, 2015. Collection method: clinical testing. Allele origin: unknown. Affected: yes.
Comment: This variant was determined to be pathogenic according to ACMG Guidelines, 2015 [PMID:25741868].